The following is an entry in ClinVar:

NM_017636.4(TRPM4):c.1499_1506dup (p.Val503fs)

Gene: TRPM4 (transient receptor potential cation channel subfamily M member 4; plus strand). Cytogenetic location: 19q13.33.
Variant type: Duplication.
Coding change: c.1499_1506dup on transcript NM_017636.4 (MANE Select); coding-DNA positions 1499 to 1506, 8 bases duplicated (CCCCTGAC; older notation c.1499_1506dupCCCCTGAC).
Protein change: p.Val503fs; shifts the reading frame from valine 503.
Molecular consequence: frameshift variant. On other transcripts: 5 prime UTR variant (1).
Genome position (GRCh38, 1-based): chr19:49,182,813-49,182,820, CCCCTGAC duplicated; duplicating any 8 consecutive bases within chr19:49,182,812-49,182,820 gives the same sequence; the c. name uses the placement nearest the transcript's 3' end. VCF-style (leftmost placement, unchanged base first): chr19-49182811-G-GCCCCCTGA. GRCh37 (hg19) VCF-style: chr19-49686068-G-GCCCCCTGA.
Other names: c.1499_1506dup, p.Val503fs (NM_001195227.2); c.1154_1161dup, p.Val388fs (NM_001321281.2); c.-55_-48dup (NM_001321282.2); c.977_984dup, p.Val329fs (NM_001321283.2); c.437_444dup, p.Val149fs (NM_001321285.2); short protein forms V149fs, V329fs, V388fs, V503fs.
Identifiers: ClinVar variation 2072443 (VCV002072443.4), dbSNP rs1415197792, ClinGen allele CA633890784.
Genomic context (GRCh38, chr19:49,182,811, plus strand): 5'-GGCGTCCCACAGCGCAGGCACCAAAGCCCCAGCCCTAAAAGGGGGAGCTGCGGAGCTCCG[G>GCCCCCTGA]CCCCCTGACGTGGGGCATGTGCTGAGGATGCTGCTGGGGAAGATGTGCGCGCCGAGGTAC-3'

ClinVar aggregate classification (germline): Uncertain significance (1 of 4 stars; one submission).

Conditions:
Progressive familial heart block type IB (PFHB1B). Identifiers: Orphanet 871, MedGen C1970298, MONDO:0011474, OMIM 604559.

Submission:

Labcorp Genetics (formerly Invitae), Labcorp
Classification: Uncertain significance for Progressive familial heart block type IB. Last evaluated: 2024-11-03. Review status: criteria provided, single submitter. Criteria: Invitae Variant Classification Sherloc (09022015). Collection method: clinical testing. Allele origin: germline.
Comment: This sequence change creates a premature translational stop signal (p.Val503Profs*8) in the TRPM4 gene. It is expected to result in an absent or disrupted protein product. However, the current clinical and genetic evidence is not sufficient to establish whether loss-of-function variants in TRPM4 cause disease. This variant is present in population databases (no rsID available, gnomAD 0.0009%). This variant has not been reported in the literature in individuals affected with TRPM4-related conditions. ClinVar contains an entry for this variant (Variation ID: 2072443). In summary, the available evidence is currently insufficient to determine the role of this variant in disease. Therefore, it has been classified as a Variant of Uncertain Significance.